The following is an entry in ClinVar:

NM_000204.5(CFI):c.1548T>C (p.Gly516=)

Gene: CFI (complement factor I; minus strand). Cytogenetic location: 4q25.
Variant type: single nucleotide variant.
Coding change: c.1548T>C on transcript NM_000204.5 (MANE Select); coding-DNA position 1548, T replaced by C.
Protein change: p.Gly516=; no amino-acid change (glycine 516 retained).
Molecular consequence: synonymous variant. On other transcripts: non-coding transcript variant (3), intron variant (5).
Genome position (GRCh38, 1-based): chr4:109,741,097, A>G on the plus strand (T>C on the coding strand, the complement: CFI is on the minus strand). VCF-style: chr4-109741097-A-G. GRCh37 (hg19) VCF-style: chr4-110662253-A-G.
Other names: c.1548T>C (NM_000204.3); c.1572T>C, p.Gly524= (NM_001318057.2); c.1527T>C, p.Gly509= (NM_001331035.2); c.1491T>C, p.Gly497= (NM_001375283.1); c.939T>C, p.Gly313= (NM_001375284.1); c.1513+1394T>C (NM_001375282.1, NM_001375280.1); c.1534+1394T>C (NM_001375281.1, NM_001375279.1); c.1558+1394T>C (NM_001375278.1).
Identifiers: ClinVar variation 1592913 (VCV001592913.18), dbSNP rs145296508, ClinGen allele CA3041861.

ClinVar aggregate classification (germline): Likely benign. Review status: criteria provided, multiple submitters, no conflicts (2 of 4 stars). 4 submissions from 4 submitters: Likely benign (4). Last evaluated 2025-11-10.

Conditions:
Inborn genetic diseases. Identifiers: MedGen C0950123, MeSH D030342.

Allele frequency attached by ClinVar (database versions not stated): gnomAD exomes 0.00007 and 0.00008; ExAC 0.00008; ESP Exome Variant Server 0.00008; gnomAD 0.00009; TOPMed 0.00009.
gnomAD v4.1: 125 of 1,614,048 alleles (0.0077%); highest among the groups gnomAD compares: Middle Eastern, 0.016%; no homozygotes.

Submissions (4):

Labcorp Genetics (formerly Invitae), Labcorp
Classification: Likely benign. Last evaluated: 2025-11-10. Review status: criteria provided, single submitter. Criteria: Invitae Variant Classification Sherloc (09022015). Collection method: clinical testing. Allele origin: germline.

CeGaT Center for Human Genetics Tuebingen
Classification: Likely benign. Last evaluated: 2025-08-01. Review status: criteria provided, single submitter. Criteria: CeGaT Center For Human Genetics Tuebingen Variant Classification Criteria Version 2. Collection method: clinical testing. Allele origin: germline. Affected: yes. Observed: 1 variant allele.
Comment: CFI: BP4, BP7

Blueprint Genetics
Classification: Likely benign. Last evaluated: 2024-11-25. Review status: criteria provided, single submitter. Criteria: ACMG Guidelines, 2015. Collection method: clinical testing. Allele origin: germline.

Ambry Genetics
Classification: Likely benign for Inborn genetic diseases. Last evaluated: 2023-09-19. Review status: criteria provided, single submitter. Criteria: Ambry Variant Classification Scheme 2023. Collection method: clinical testing. Allele origin: germline.